The following is an entry in ClinVar:

NM_001034853.2(RPGR):c.1059+1G>A

Gene: RPGR (retinitis pigmentosa GTPase regulator; minus strand). Cytogenetic location: Xp11.4.
Variant type: single nucleotide variant.
Coding change: c.1059+1G>A on transcript NM_001034853.2 (MANE Select); the canonical splice donor site of the intron after coding-DNA position 1059, G replaced by A.
Molecular consequence: splice donor variant.
Genome position (GRCh38, 1-based): chrX:38,301,246, C>T on the plus strand (G>A on the coding strand, the complement: RPGR is on the minus strand). VCF-style: chrX-38301246-C-T. GRCh37 (hg19) VCF-style: chrX-38160499-C-T.
Other names: NM_001034853.2:c.1059+1G>A; c.1056+1G>A (NM_001367249.1, NM_001367250.1, NM_001367245.1); c.1059+1G>A (NM_001367251.1, NM_001367246.1, NM_001367247.1 and 1 more transcripts); c.1089+1G>A (NM_001367248.1).
Identifiers: ClinVar variation 4976903 (VCV004976903.1).

ClinVar aggregate classification (germline): Pathogenic (3 of 4 stars; one submission).

Conditions:
RPGR-related retinopathy. Also called: RPGR retinopathy. Identifiers: MedGen CN305589, MONDO:0100437.

Submission:

ClinGen X-linked Inherited Retinal Disease Variant Curation Expert Panel, ClinGen
Classification: Pathogenic for RPGR-related retinopathy. Last evaluated: 2026-09-26. Review status: reviewed by expert panel. Criteria: ClinGen X LinkedIRD ACMG Specifications RPGR V1.0.0. Collection method: curation. Allele origin: germline. Inheritance: X-linked inheritance.
Comment: The NM_001034853.2(RPGR):c.1059+1G>A variant is a canonical splice site variant in intron 9, located one nucleotide after exon 9. This variant occurs at a canonical splice site in intron 9 and is predicted to disrupt splicing and induce skipping of exon 9, which is expected to disrupt a critical functional domain in RPGR (PVS1). This variant is absent from hemizygous individuals in gnomAD v4.1.0 (PM2_Supporting). The variant has been reported to segregate with retinal dystrophy in two assumed brothers. (PP1; PMID: 33372982). This variant has been reported in at least 1 proband meeting the PS4 requirement of a male with some functional vision impairment by age 30 and/or decreased or absent ERG responses, or a female with functional visual abnormality and documentation of a male relative affected with retinitis pigmentosa (PMIDs: 33372982, 36460718). PS4_Supporting requires at least 2 unrelated probands, so this criterion was not met. In summary, this variant is classified as pathogenic for RPGR-related retinopathy based on the ClinGen X-linked Inherited Retinal Disease Expert Panel Specifications to the ACMG/AMP Variant Interpretation Guidelines for RPGR Version 1.0.0: PVS1, PM2_Supporting, and PP1.